The following is an entry in ClinVar:

NM_001909.5(CTSD):c.173C>A (p.Ala58Glu)

Genes: PRADX (PRC2 and DDX5 associated lncRNA; plus strand), CTSD (cathepsin D; minus strand). Cytogenetic location: 11p15.5.
Variant type: single nucleotide variant.
Coding change: c.173C>A on transcript NM_001909.5 (MANE Select); coding-DNA position 173, C replaced by A.
Protein change: p.Ala58Glu; replaces alanine 58 with glutamic acid.
Molecular consequence: missense variant.
Genome position (GRCh38, 1-based): chr11:1,761,364, G>T on the plus strand (C>A on the coding strand, the complement: CTSD is on the minus strand). VCF-style: chr11-1761364-G-T. GRCh37 (hg19) VCF-style: chr11-1782594-G-T.
Other names: short protein forms A58E.
Identifiers: ClinVar variation 2131237 (VCV002131237.4), dbSNP rs17571, ClinGen allele CA379099575.
Genomic context (GRCh38, chr11:1,761,364, plus strand): 5'-CTCACGTCCATGTAGTTCTTGAGCACCTCGGGAATGGGCCCCTCGGTCACGGCTGGCACC[G>T]CCTGGGAGTACTTTGAGACGGGGCCTTTGGCAATCAGGTCCTCCACAGAGCCCCCAACCT-3'
Protein context (NP_001900.1, residues 48-68): AKGPVSKYSQ[Ala58Glu]VPAVTEGPIP

ClinVar aggregate classification (germline): Uncertain significance (1 of 4 stars; one submission).

Conditions:
Neuronal ceroid lipofuscinosis. Also called: Neuronal Ceroid Lipofuscinoses. Identifiers: Orphanet 216, Orphanet 79263, MedGen C0027877, MONDO:0016295. Disease mechanism: loss of function.

Submission:

Labcorp Genetics (formerly Invitae), Labcorp
Classification: Uncertain significance for Neuronal ceroid lipofuscinosis. Last evaluated: 2022-04-29. Review status: criteria provided, single submitter. Criteria: Invitae Variant Classification Sherloc (09022015). Collection method: clinical testing. Allele origin: germline.
Comment: This variant has not been reported in the literature in individuals affected with CTSD-related conditions. This sequence change replaces alanine, which is neutral and non-polar, with glutamic acid, which is acidic and polar, at codon 58 of the CTSD protein (p.Ala58Glu). This variant is not present in population databases (gnomAD no frequency). In summary, the available evidence is currently insufficient to determine the role of this variant in disease. Therefore, it has been classified as a Variant of Uncertain Significance. Algorithms developed to predict the effect of missense changes on protein structure and function output the following: SIFT: "Tolerated"; PolyPhen-2: "Benign"; Align-GVGD: "Class C0". The glutamic acid amino acid residue is found in multiple mammalian species, which suggests that this missense change does not adversely affect protein function.